The following is an entry in ClinVar:

ClinVar aggregate classification (germline): Conflicting classifications of pathogenicity. Review status: criteria provided, conflicting classifications (1 of 4 stars). 5 submissions from 5 submitters: Pathogenic (1); Likely pathogenic (2); Uncertain significance (2). Last evaluated 2026-04-15.

Conditions:
Osteogenesis imperfecta type I (OI1). Also called: OI, TYPE I; OSTEOGENESIS IMPERFECTA TARDA; OSTEOGENESIS IMPERFECTA WITH BLUE SCLERAE; Osteogenesis imperfecta type 1; Classic Non-deforming Osteogenesis Imperfecta with Blue Sclerae; Lobstein's Disease. Identifiers: Orphanet 216796, Orphanet 666, MedGen C0023931, MONDO:0008146, OMIM 166200. Disease mechanism: loss of function.
COL1A1- and COL1A2-Related Osteogenesis Imperfecta. Identifiers: MedGen CN381134.

Allele frequency attached by ClinVar (database versions not stated): gnomAD 0.00001.

Submissions (5):

MVZ Martinsried, Medicover Genetics
Classification: Likely pathogenic for COL1A1- and COL1A2-Related Osteogenesis Imperfecta. Last evaluated: 2026-04-15. Review status: criteria provided, single submitter. Criteria: ClinGen Variant Curation SOP V3.2 + Classification Guidance July2025. Collection method: clinical testing. Allele origin: unknown. Affected: yes. Observed: 1 heterozygote.

Labcorp Genetics (formerly Invitae), Labcorp
Classification: Pathogenic for Osteogenesis imperfecta type I. Last evaluated: 2025-05-21. Review status: criteria provided, single submitter. Criteria: Invitae Variant Classification Sherloc (09022015). Collection method: clinical testing. Allele origin: germline.
Comment: This sequence change replaces glycine, which is neutral and non-polar, with valine, which is neutral and non-polar, at codon 1281 of the COL1A1 protein (p.Gly1281Val). This variant is not present in population databases (gnomAD no frequency). This missense change has been observed in individual(s) with clinical features of osteogenesis imperfecta and/or osteogenesis imperfecta (PMID: 21520333, 31055083; internal data). ClinVar contains an entry for this variant (Variation ID: 658427). Invitae Evidence Modeling of protein sequence and biophysical properties (such as structural, functional, and spatial information, amino acid conservation, physicochemical variation, residue mobility, and thermodynamic stability) indicates that this missense variant is expected to disrupt COL1A1 protein function with a positive predictive value of 95%. For these reasons, this variant has been classified as Pathogenic.

GeneDx
Classification: Likely pathogenic. Last evaluated: 2024-12-19. Review status: criteria provided, single submitter. Criteria: GeneDx Variant Classification Process June 2021. Collection method: clinical testing. Allele origin: germline. Affected: yes.
Comment: Not located in the triple helical region, where the majority of pathogenic missense variants occur (HGMD); Not observed at significant frequency in large population cohorts (gnomAD); In silico analysis supports that this missense variant has a deleterious effect on protein structure/function; This variant is associated with the following publications: (PMID: 31055083)

Women's Health and Genetics/Laboratory Corporation of America, LabCorp
Classification: Uncertain significance. Last evaluated: 2022-11-11. Review status: criteria provided, single submitter. Criteria: LabCorp Variant Classification Summary - May 2015. Collection method: clinical testing. Allele origin: germline.
Comment: Variant summary: COL1A1 c.3842G>T (p.Gly1281Val) results in a non-conservative amino acid change located in the Fibrillar collagen, C-terminal domain (IPR000885) of the encoded protein sequence. Five of five in-silico tools predict a damaging effect of the variant on protein function. The variant was absent in 251476 control chromosomes (gnomAD). c.3842G>T has been reported in the literature in at-least one infant affected with Osteogenesis Imperfecta Type II (example: Barnes_2019). At least one publication reported procollagen processing and folding rates were reduced for this variant compared to wild-type (Barnes_2019). Three clinical diagnostic laboratories have submitted clinical-significance assessments for this variant to ClinVar after 2014 and classified the variant as VUS (n=2) and pathogenic (n=1). Based on the evidence outlined above, the variant was classified as VUS-possibly pathogenic.

Athena Diagnostics
Classification: Uncertain significance. Last evaluated: 2020-05-04. Review status: criteria provided, single submitter. Criteria: Athena Diagnostics Criteria. Collection method: clinical testing. Allele origin: unknown.

Literature cited by the submitters: PubMed 21520333 (cited by Labcorp Genetics (formerly Invitae), Labcorp and Athena Diagnostics); PubMed 31055083 (cited by 3 submitters).

NM_000088.4(COL1A1):c.3842G>T (p.Gly1281Val)

Gene: COL1A1 (collagen type I alpha 1 chain; minus strand). Cytogenetic location: 17q21.33.
Variant type: single nucleotide variant.
Coding change: c.3842G>T on transcript NM_000088.4 (MANE Select); coding-DNA position 3842, G replaced by T.
Protein change: p.Gly1281Val; replaces glycine 1281 with valine.
Molecular consequence: missense variant.
Genome position (GRCh38, 1-based): chr17:50,186,480, C>A on the plus strand (G>T on the coding strand, the complement: COL1A1 is on the minus strand). VCF-style: chr17-50186480-C-A. GRCh37 (hg19) VCF-style: chr17-48263841-C-A.
Other names: short protein forms G1281V.
Identifiers: ClinVar variation 658427 (VCV000658427.20), dbSNP rs918420911, ClinGen allele CA291542853.